The following is an entry in ClinVar:

ClinVar aggregate classification (germline): Uncertain significance. Review status: criteria provided, multiple submitters, no conflicts (2 of 4 stars). 2 submissions from 2 submitters: Uncertain significance (2). Last evaluated 2025-04-28.

Conditions:
Inborn genetic diseases. Identifiers: MedGen C0950123, MeSH D030342.

Allele frequency attached by ClinVar (database versions not stated): ExAC 0.00001; gnomAD 0.00001; gnomAD exomes 0.00001; TOPMed 0.00002; ESP Exome Variant Server 0.00008.

Submissions (2):

Ambry Genetics
Classification: Uncertain significance for Inborn genetic diseases. Last evaluated: 2025-04-28. Review status: criteria provided, single submitter. Criteria: Ambry Variant Classification Scheme 2023. Collection method: clinical testing. Allele origin: germline.
Comment: The p.M600T variant (also known as c.1799T>C), located in coding exon 1 of the SAMD9L gene, results from a T to C substitution at nucleotide position 1799. The methionine at codon 600 is replaced by threonine, an amino acid with similar properties. This amino acid position is conserved. In addition, this alteration is predicted to be tolerated by in silico analysis. Based on the available evidence, the clinical significance of this variant remains unclear.

Labcorp Genetics (formerly Invitae), Labcorp
Classification: Uncertain significance. Last evaluated: 2024-10-31. Review status: criteria provided, single submitter. Criteria: Invitae Variant Classification Sherloc (09022015). Collection method: clinical testing. Allele origin: germline.
Comment: This sequence change replaces methionine, which is neutral and non-polar, with threonine, which is neutral and polar, at codon 600 of the SAMD9L protein (p.Met600Thr). This variant is present in population databases (rs370299903, gnomAD 0.007%). This variant has not been reported in the literature in individuals affected with SAMD9L-related conditions. ClinVar contains an entry for this variant (Variation ID: 3005307). An algorithm developed to predict the effect of missense changes on protein structure and function outputs the following: PolyPhen-2: "Benign". The threonine amino acid residue is found in multiple mammalian species, which suggests that this missense change does not adversely affect protein function. In summary, the available evidence is currently insufficient to determine the role of this variant in disease. Therefore, it has been classified as a Variant of Uncertain Significance.

NM_152703.5(SAMD9L):c.1799T>C (p.Met600Thr)

Gene: SAMD9L (sterile alpha motif domain containing 9 like; minus strand). Cytogenetic location: 7q21.2.
Variant type: single nucleotide variant.
Coding change: c.1799T>C on transcript NM_152703.5 (MANE Select); coding-DNA position 1799, T replaced by C.
Protein change: p.Met600Thr; replaces methionine 600 with threonine.
Molecular consequence: missense variant.
Genome position (GRCh38, 1-based): chr7:93,134,173, A>G on the plus strand (T>C on the coding strand, the complement: SAMD9L is on the minus strand). VCF-style: chr7-93134173-A-G. GRCh37 (hg19) VCF-style: chr7-92763486-A-G.
Other names: c.1799T>C, p.Met600Thr (NM_001303500.3, NM_001350082.2, NM_001303496.3 and 5 more transcripts); c.1799T>C (NM_152703.2); short protein forms M600T.
Identifiers: ClinVar variation 3005307 (VCV003005307.4), dbSNP rs370299903, ClinGen allele CA4343682.